The following is an entry in ClinVar:

NM_000051.4(ATM):c.8751C>T (p.Gly2917=)

Genes: ATM (ATM serine/threonine kinase; plus strand), C11orf65 (chromosome 11 open reading frame 65; minus strand). Cytogenetic location: 11q22.3.
Variant type: single nucleotide variant.
Coding change: c.8751C>T on transcript NM_000051.4 (MANE Select); coding-DNA position 8751, C replaced by T.
Protein change: p.Gly2917=; no amino-acid change (glycine 2917 retained).
Molecular consequence: synonymous variant. On other transcripts: intron variant (2).
Genome position (GRCh38, 1-based): chr11:108,353,845, C>T. VCF-style: chr11-108353845-C-T. GRCh37 (hg19) VCF-style: chr11-108224572-C-T.
Other names: NM_000051.3(ATM):c.8751C>T; p.Gly2917=; c.8751C>T, p.Gly2917= (NM_001351834.2); c.640+32075G>A (NM_001330368.2); c.695-18553G>A (NM_001351110.2).
Identifiers: ClinVar variation 453745 (VCV000453745.14), dbSNP rs779858366, ClinGen allele CA6266433.

ClinVar aggregate classification (germline): Likely benign. Review status: reviewed by expert panel (3 of 4 stars). 6 submissions from 6 submitters: Likely benign (1). 5 of the submissions do not count toward it. Last evaluated 2022-03-09.

Conditions:
ATM-related cancer predisposition. Also called: ATM-related cancer susceptibility. Identifiers: MedGen CN377759, MONDO:0700270.
Hereditary cancer-predisposing syndrome. Also called: Neoplastic Syndromes, Hereditary; Hereditary Cancer Syndrome; Tumor predisposition; Hereditary neoplastic syndrome. Identifiers: Orphanet 140162, MedGen C0027672, MeSH D009386, MONDO:0015356.
Ataxia-telangiectasia syndrome (AT). Also called: LOUIS-BAR SYNDROME; Cerebello-oculocutaneous telangiectasia; Immunodeficiency with ataxia telangiectasia; Ataxia-telangiectasia, complementation group D; AT, COMPLEMENTATION GROUP C; Ataxia-telangiectasia, complementation group E. Identifiers: Orphanet 100, MedGen C0004135, MONDO:0008840, OMIM 208900.
Familial cancer of breast. Also called: Hereditary breast cancer; BREAST CANCER, FAMILIAL; hereditary breast carcinoma. Identifiers: Orphanet 227535, MedGen C0346153, MONDO:0016419, OMIM 114480. Disease mechanism: loss of function.

Allele frequency attached by ClinVar (database versions not stated): gnomAD exomes below 0.00001; gnomAD 0.00001; TOPMed below 0.00001; ExAC 0.00001.
gnomAD v4.1: 3 of 1,613,812 alleles (0.00019%); highest among the groups gnomAD compares: Non-Finnish European, 0.00025%; no homozygotes.

Submissions (6):

ClinGen Hereditary Breast, Ovarian and Pancreatic Cancer Variant Curation Expert Panel, ClinGen
Classification: Likely benign for ATM-related cancer predisposition. Last evaluated: 2022-03-09. Review status: reviewed by expert panel. Criteria: clingen hbop acmg specifications atm v1-1. Collection method: curation. Allele origin: germline. Inheritance: Autosomal dominant inheritance.
Comment: The ATM c.8751C>T (p.Gly2917=) variant has a GnomAD (v2.1.1) allele frequency of 0.000%, which is below the ATM PM2 threshold of 0.001% (PM2_Supporting). It is a synonymous variant (BP7). This variant is not predicted to impact splicing in multiple RNA in silico tools (BP4). In summary, this variant meets criteria to be classified as likely benign based on the ACMG/AMP criteria applied, as specified by the HBOP Variant Curation Expert Panel.

Blueprint Genetics
Classification: Likely benign. Last evaluated: 2024-10-29. Review status: criteria provided, single submitter. Criteria: ACMG Guidelines, 2015. Collection method: clinical testing. Allele origin: germline. Not counted in ClinVar's aggregate classification.

Labcorp Genetics (formerly Invitae), Labcorp
Classification: Likely benign for Ataxia-telangiectasia syndrome. Last evaluated: 2024-07-16. Review status: criteria provided, single submitter. Criteria: Invitae Variant Classification Sherloc (09022015). Collection method: clinical testing. Allele origin: germline. Not counted in ClinVar's aggregate classification.

Myriad Genetics, Inc.
Classification: Benign for Familial cancer of breast. Last evaluated: 2024-06-20. Review status: criteria provided, single submitter. Criteria: Myriad Autosomal Dominant, Autosomal Recessive and X-Linked Classification Criteria (2023). Collection method: clinical testing. Allele origin: unknown. Not counted in ClinVar's aggregate classification.
Comment: This variant is considered benign. This variant is a silent/synonymous amino acid change and it is not expected to impact splicing.

Color Diagnostics, LLC DBA Color Health
Classification: Uncertain significance for Hereditary cancer-predisposing syndrome. Last evaluated: 2023-06-13. Review status: criteria provided, single submitter. Criteria: ACMG Guidelines, 2015. Collection method: clinical testing. Allele origin: germline. Not counted in ClinVar's aggregate classification.
Comment: This variant is located in the ATM protein. To our knowledge, functional studies have not been reported for this variant. This variant has not been reported in individuals affected with ATM-related disorders in the literature. This variant has not been identified in the general population by the Genome Aggregation Database (gnomAD). The available evidence is insufficient to determine the role of this variant in disease conclusively. Therefore, this variant is classified as a Variant of Uncertain Significance.

Ambry Genetics
Classification: Likely benign for Hereditary cancer-predisposing syndrome. Last evaluated: 2020-01-06. Review status: criteria provided, single submitter. Criteria: Ambry Variant Classification Scheme 2023. Collection method: clinical testing. Allele origin: germline. Not counted in ClinVar's aggregate classification.